The following is an entry in ClinVar:

NM_198578.4(LRRK2):c.3809T>C (p.Leu1270Pro)

Gene: LRRK2 (leucine rich repeat kinase 2; plus strand). Cytogenetic location: 12q12.
Variant type: single nucleotide variant.
Coding change: c.3809T>C on transcript NM_198578.4 (MANE Select); coding-DNA position 3809, T replaced by C.
Protein change: p.Leu1270Pro; replaces leucine 1270 with proline.
Molecular consequence: missense variant.
Genome position (GRCh38, 1-based): chr12:40,305,816, T>C. VCF-style: chr12-40305816-T-C. GRCh37 (hg19) VCF-style: chr12-40699618-T-C.
Other names: short protein forms L1270P.
Identifiers: ClinVar variation 1735122 (VCV001735122.2), dbSNP rs2499794424, ClinGen allele CA384417093.

ClinVar aggregate classification (germline): Uncertain significance (1 of 4 stars; one submission).

Conditions:
Inborn genetic diseases. Identifiers: MedGen C0950123, MeSH D030342.

Submission:

Ambry Genetics
Classification: Uncertain significance for Inborn genetic diseases. Last evaluated: 2021-08-29. Review status: criteria provided, single submitter. Criteria: Ambry Variant Classification Scheme 2023. Collection method: clinical testing. Allele origin: germline.
Comment: The p.L1270P variant (also known as c.3809T>C), located in coding exon 28 of the LRRK2 gene, results from a T to C substitution at nucleotide position 3809. The leucine at codon 1270 is replaced by proline, an amino acid with similar properties. This amino acid position is conserved. In addition, this alteration is predicted to be deleterious by in silico analysis. Since supporting evidence is limited at this time, the clinical significance of this alteration remains unclear.